The following is an entry in ClinVar:

NM_005431.2(XRCC2):c.782A>C (p.Lys261Thr)

Gene: XRCC2 (X-ray repair cross complementing 2; minus strand). Cytogenetic location: 7q36.1.
Variant type: single nucleotide variant.
Coding change: c.782A>C on transcript NM_005431.2 (MANE Select); coding-DNA position 782, A replaced by C.
Protein change: p.Lys261Thr; replaces lysine 261 with threonine.
Molecular consequence: missense variant.
Genome position (GRCh38, 1-based): chr7:152,648,703, T>G on the plus strand (A>C on the coding strand, the complement: XRCC2 is on the minus strand). VCF-style: chr7-152648703-T-G. GRCh37 (hg19) VCF-style: chr7-152345788-T-G.
Other names: short protein forms K261T.
Identifiers: ClinVar variation 409963 (VCV000409963.11), dbSNP rs150474676, ClinGen allele CA4582295.

ClinVar aggregate classification (germline): Uncertain significance. Review status: criteria provided, multiple submitters, no conflicts (2 of 4 stars). 2 submissions from 2 submitters: Uncertain significance (2). Last evaluated 2024-10-12.

Conditions:
Hereditary cancer-predisposing syndrome. Also called: Tumor predisposition; Hereditary Cancer Syndrome; Hereditary neoplastic syndrome; Neoplastic Syndromes, Hereditary. Identifiers: Orphanet 140162, MedGen C0027672, MeSH D009386, MONDO:0015356.

Allele frequency attached by ClinVar (database versions not stated): gnomAD exomes 0.00001 and 0.00002; ExAC 0.00005; ESP Exome Variant Server 0.00008.
gnomAD v4.1: 9 of 1,609,296 alleles (0.00056%); highest among the groups gnomAD compares: South Asian, 0.01%; no homozygotes.

Submissions (2):

Ambry Genetics
Classification: Uncertain significance for Hereditary cancer-predisposing syndrome. Last evaluated: 2024-10-12. Review status: criteria provided, single submitter. Criteria: Ambry Variant Classification Scheme 2023. Collection method: clinical testing. Allele origin: germline.
Comment: The p.K261T variant (also known as c.782A>C), located in coding exon 3 of the XRCC2 gene, results from an A to C substitution at nucleotide position 782. The lysine at codon 261 is replaced by threonine, an amino acid with similar properties. This amino acid position is conserved. In addition, this alteration is predicted to be tolerated by in silico analysis. Since supporting evidence is limited at this time, the clinical significance of this alteration remains unclear.

Labcorp Genetics (formerly Invitae), Labcorp
Classification: Uncertain significance. Last evaluated: 2023-10-04. Review status: criteria provided, single submitter. Criteria: Invitae Variant Classification Sherloc (09022015). Collection method: clinical testing. Allele origin: germline.
Comment: This sequence change replaces lysine, which is basic and polar, with threonine, which is neutral and polar, at codon 261 of the XRCC2 protein (p.Lys261Thr). This variant is present in population databases (rs150474676, gnomAD 0.02%). This variant has not been reported in the literature in individuals affected with XRCC2-related conditions. ClinVar contains an entry for this variant (Variation ID: 409963). Advanced modeling of protein sequence and biophysical properties (such as structural, functional, and spatial information, amino acid conservation, physicochemical variation, residue mobility, and thermodynamic stability) performed at Invitae indicates that this missense variant is not expected to disrupt XRCC2 protein function. In summary, the available evidence is currently insufficient to determine the role of this variant in disease. Therefore, it has been classified as a Variant of Uncertain Significance.